The following is an entry in ClinVar:

NM_004994.3(MMP9):c.2054G>A (p.Arg685Gln)

Genes: MMP9 (matrix metallopeptidase 9; plus strand), SLC12A5-AS1 (SLC12A5 and MMP9 antisense RNA 1; minus strand). Cytogenetic location: 20q13.12.
Variant type: single nucleotide variant.
Coding change: c.2054G>A on transcript NM_004994.3 (MANE Select); coding-DNA position 2054, G replaced by A.
Protein change: p.Arg685Gln; replaces arginine 685 with glutamine.
Molecular consequence: missense variant.
Genome position (GRCh38, 1-based): chr20:46,016,298, G>A. VCF-style: chr20-46016298-G-A. GRCh37 (hg19) VCF-style: chr20-44644937-G-A.
Other names: short protein forms R685Q.
Identifiers: ClinVar variation 4766932 (VCV004766932.1).
Genomic context (GRCh38, chr20:46,016,298, plus strand): 5'-TGTCTCCTGCAGAGAAAGCCTATTTCTGCCAGGACCGCTTCTACTGGCGCGTGAGTTCCC[G>A]GAGTGAGTTGAACCAGGTGGACCAAGTGGGCTACGTGACCTATGACATCCTGCAGTGCCC-3'
Protein context (NP_004985.2, residues 675-695): QDRFYWRVSS[Arg685Gln]SELNQVDQVG

ClinVar aggregate classification (germline): Uncertain significance (1 of 4 stars; one submission).

gnomAD v4.1: 13 of 1,614,098 alleles (0.00081%); highest among the groups gnomAD compares: South Asian, 0.0066%; no homozygotes.

Submission:

Labcorp Genetics (formerly Invitae), Labcorp
Classification: Uncertain significance. Last evaluated: 2025-09-10. Review status: criteria provided, single submitter. Criteria: Invitae Variant Classification Sherloc (09022015). Collection method: clinical testing. Allele origin: germline.
Comment: This sequence change replaces arginine, which is basic and polar, with glutamine, which is neutral and polar, at codon 685 of the MMP9 protein (p.Arg685Gln). This variant is present in population databases (rs772727216, gnomAD 0.006%). This variant has not been reported in the literature in individuals affected with MMP9-related conditions. An algorithm developed to predict the effect of missense changes on protein structure and function outputs the following: PolyPhen-2: "Benign". The glutamine amino acid residue is found in multiple mammalian species, which suggests that this missense change does not adversely affect protein function. In summary, the available evidence is currently insufficient to determine the role of this variant in disease. Therefore, it has been classified as a Variant of Uncertain Significance.